The following is an entry in ClinVar:

ClinVar aggregate classification (germline): Benign/Likely benign. Review status: criteria provided, multiple submitters, no conflicts (2 of 4 stars). 7 submissions from 7 submitters: Benign (1); Likely benign (6). Last evaluated 2025-12-10.

Conditions:
Lymphangiomyomatosis (LAM). Also called: Lymphangioleiomyomatosis; Lymphangioleiomyomatosis, somatic. Identifiers: Orphanet 538, MedGen C0751674, MONDO:0011705, OMIM 606690.
Isolated focal cortical dysplasia type II (FCORD2). Also called: CORTICAL DYSPLASIA OF TAYLOR; Focal cortical dysplasia type II. Identifiers: Orphanet 268994, MedGen C1846385, MONDO:0011818, OMIM 607341, HP:0032051.
Tuberous sclerosis 2 (TSC2). Identifiers: Orphanet 805, MedGen C1860707, MONDO:0013199, OMIM 613254.
Tuberous sclerosis syndrome (TSC). Also called: Tuberous Sclerosis Complex; Tuberous sclerosis. Identifiers: Orphanet 805, MedGen C0041341, MONDO:0001734.
Hereditary cancer-predisposing syndrome. Also called: Neoplastic Syndromes, Hereditary; Hereditary neoplastic syndrome; Hereditary Cancer Syndrome; Tumor predisposition. Identifiers: Orphanet 140162, MedGen C0027672, MeSH D009386, MONDO:0015356.

Allele frequency attached by ClinVar (database versions not stated): gnomAD exomes below 0.00001 and 0.00001; ExAC 0.00001; TOPMed 0.00002.
gnomAD v4.1: 17 of 1,612,532 alleles (0.0011%); highest among the groups gnomAD compares: Non-Finnish European, 0.0014%; no homozygotes.

Submissions (7):

Labcorp Genetics (formerly Invitae), Labcorp
Classification: Likely benign for Tuberous sclerosis 2. Last evaluated: 2025-12-10. Review status: criteria provided, single submitter. Criteria: Invitae Variant Classification Sherloc (09022015). Collection method: clinical testing. Allele origin: germline.

Myriad Genetics, Inc.
Classification: Benign for Tuberous sclerosis 2. Last evaluated: 2025-06-04. Review status: criteria provided, single submitter. Criteria: Myriad Autosomal Dominant, Autosomal Recessive and X-Linked Classification Criteria (2023). Collection method: clinical testing. Allele origin: unknown.
Comment: This variant is considered benign. This variant is a silent/synonymous amino acid change and it is not expected to impact splicing.

All of Us Research Program, National Institutes of Health
Classification: Likely benign for Tuberous sclerosis syndrome. Last evaluated: 2024-06-09. Review status: criteria provided, single submitter. Criteria: ACMG Guidelines, 2015. Collection method: clinical testing. Allele origin: germline. Inheritance: Autosomal dominant inheritance. Observed: 5 variant alleles, 5 heterozygotes.
Comment: This study involves interpretation of variants in research participants for the purpose of population health screening. Participant phenotype was not available at the time of variant classification. Additional details can be found in publication PMID: 35346344, PMCID: PMC8962531

Blueprint Genetics
Classification: Likely benign. Last evaluated: 2023-04-17. Review status: criteria provided, single submitter. Criteria: ACMG Guidelines, 2015. Collection method: clinical testing. Allele origin: germline.

Color Diagnostics, LLC DBA Color Health
Classification: Likely benign for Tuberous sclerosis syndrome. Last evaluated: 2023-01-03. Review status: criteria provided, single submitter. Criteria: ACMG Guidelines, 2015. Collection method: clinical testing. Allele origin: germline.

Fulgent Genetics
Classification: Likely benign for Lymphangiomyomatosis; Isolated focal cortical dysplasia type II; Tuberous sclerosis 2. Last evaluated: 2021-10-11. Review status: criteria provided, single submitter. Criteria: ACMG Guidelines, 2015. Collection method: clinical testing. Allele origin: unknown.

Ambry Genetics
Classification: Likely benign for Hereditary cancer-predisposing syndrome. Last evaluated: 2016-02-01. Review status: criteria provided, single submitter. Criteria: Ambry Variant Classification Scheme 2023. Collection method: clinical testing. Allele origin: germline.

NM_000548.5(TSC2):c.4659C>G (p.Gly1553=)

Gene: TSC2 (TSC complex subunit 2; plus strand). Cytogenetic location: 16p13.3.
Variant type: single nucleotide variant.
Coding change: c.4659C>G on transcript NM_000548.5 (MANE Select); coding-DNA position 4659, C replaced by G.
Protein change: p.Gly1553=; no amino-acid change (glycine 1553 retained).
Molecular consequence: synonymous variant.
Genome position (GRCh38, 1-based): chr16:2,085,319, C>G. VCF-style: chr16-2085319-C-G. GRCh37 (hg19) VCF-style: chr16-2135320-C-G.
Other names: c.4458C>G, p.Gly1486= (NM_001077183.3); c.4590C>G, p.Gly1530= (NM_001114382.3); c.4350C>G, p.Gly1450= (NM_001318827.2); c.4314C>G, p.Gly1438= (NM_001318829.2); c.3927C>G, p.Gly1309= (NM_001318831.2); c.4491C>G, p.Gly1497= (NM_001318832.2); c.4461C>G, p.Gly1487= (NM_001363528.2); c.4527C>G, p.Gly1509= (NM_001370404.1); and 1 more.
Identifiers: ClinVar variation 700284 (VCV000700284.18), dbSNP rs202212109, ClinGen allele CA052025.
Genomic context (GRCh38, chr16:2,085,319, plus strand): 5'-CCTCGACCAGATCCCATCATACGACACCCACAAGATCGCCGTCCTGTATGTTGGAGAAGG[C>G]CAGGTGAGGCTGCGGGGCCGGCCTAGGTGCCTGGACAGGGCCAGCTGGGCCTCAGCCTGC-3'
Protein context (NP_000539.2, residues 1543-1563): HKIAVLYVGE[Gly1553=]QSNSELAILS